The following is an entry in ClinVar:

ClinVar aggregate classification (germline): Likely benign. Review status: criteria provided, multiple submitters, no conflicts (2 of 4 stars). 2 submissions from 2 submitters: Likely benign (2). Last evaluated 2024-05-01.

Allele frequency attached by ClinVar (database versions not stated): 1000 Genomes Project 30x 0.00016; 1000 Genomes Project 0.00020; ESP Exome Variant Server 0.00023; TOPMed 0.00028.

Submissions (2):

CeGaT Center for Human Genetics Tuebingen
Classification: Likely benign. Last evaluated: 2024-05-01. Review status: criteria provided, single submitter. Criteria: CeGaT Center For Human Genetics Tuebingen Variant Classification Criteria Version 2. Collection method: clinical testing. Allele origin: germline. Affected: yes. Observed: 1 variant allele.
Comment: FLT4: BP4, BP7

Blueprint Genetics
Classification: Likely benign. Last evaluated: 2021-11-04. Review status: criteria provided, single submitter. Criteria: ACMG Guidelines, 2015. Collection method: clinical testing. Allele origin: germline.

NM_182925.5(FLT4):c.2430G>A (p.Thr810=)

Genes: FLT4 (fms related receptor tyrosine kinase 4; minus strand), LOC126807632 (CDK7 strongly-dependent group 2 enhancer GRCh37_chr5:180046831-180048030; plus strand). Cytogenetic location: 5q35.3.
Variant type: single nucleotide variant.
Coding change: c.2430G>A on transcript NM_182925.5 (MANE Select); coding-DNA position 2430, G replaced by A.
Protein change: p.Thr810=; no amino-acid change (threonine 810 retained).
Molecular consequence: synonymous variant.
Genome position (GRCh38, 1-based): chr5:180,620,285, C>T on the plus strand (G>A on the coding strand, the complement: FLT4 is on the minus strand). VCF-style: chr5-180620285-C-T. GRCh37 (hg19) VCF-style: chr5-180047285-C-T.
Other names: c.2430G>A, p.Thr810= (NM_001354989.2, NM_002020.5).
Identifiers: ClinVar variation 3239344 (VCV003239344.20), dbSNP rs143907746.